The following is an entry in ClinVar:

NM_014806.5(RUSC2):c.2131C>T (p.Arg711Trp)

Gene: RUSC2 (RUN and SH3 domain containing 2; plus strand). Cytogenetic location: 9p13.3.
Variant type: single nucleotide variant.
Coding change: c.2131C>T on transcript NM_014806.5 (MANE Select); coding-DNA position 2131, C replaced by T.
Protein change: p.Arg711Trp; replaces arginine 711 with tryptophan.
Molecular consequence: missense variant. On other transcripts: 5 prime UTR variant (1), non-coding transcript variant (1).
Genome position (GRCh38, 1-based): chr9:35,555,176, C>T. VCF-style: chr9-35555176-C-T. GRCh37 (hg19) VCF-style: chr9-35555173-C-T.
Other names: c.2131C>T, p.Arg711Trp (NM_001135999.2); c.-504C>T (NM_001330740.2); short protein forms R711W.
Identifiers: ClinVar variation 1424397 (VCV001424397.3), dbSNP rs751094554, ClinGen allele CA5043807.

ClinVar aggregate classification (germline): Uncertain significance (1 of 4 stars; one submission).

Allele frequency attached by ClinVar (database versions not stated): ExAC 0.00002; TOPMed 0.00003; gnomAD exomes 0.00004; gnomAD 0.00005 and 0.00006.
gnomAD v4.1: 77 of 1,613,610 alleles (0.0048%); highest among the groups gnomAD compares: Non-Finnish European, 0.0062%; no homozygotes.

Submission:

Labcorp Genetics (formerly Invitae), Labcorp
Classification: Uncertain significance. Last evaluated: 2022-08-09. Review status: criteria provided, single submitter. Criteria: Invitae Variant Classification Sherloc (09022015). Collection method: clinical testing. Allele origin: germline.
Comment: This sequence change replaces arginine, which is basic and polar, with tryptophan, which is neutral and slightly polar, at codon 711 of the RUSC2 protein (p.Arg711Trp). This variant is present in population databases (rs751094554, gnomAD 0.01%). This variant has not been reported in the literature in individuals affected with RUSC2-related conditions. ClinVar contains an entry for this variant (Variation ID: 1424397). Algorithms developed to predict the effect of missense changes on protein structure and function (SIFT, PolyPhen-2, Align-GVGD) all suggest that this variant is likely to be disruptive. In summary, the available evidence is currently insufficient to determine the role of this variant in disease. Therefore, it has been classified as a Variant of Uncertain Significance.